The following is an entry in ClinVar:

ClinVar aggregate classification (germline): Uncertain significance (1 of 4 stars; one submission).

Allele frequency attached by ClinVar (database versions not stated): gnomAD exomes below 0.00001 and 0.00001; TOPMed below 0.00001.
gnomAD v4.1: 20 of 1,614,078 alleles (0.0012%); highest among the groups gnomAD compares: Non-Finnish European, 0.0017%; no homozygotes.

Submission:

Labcorp Genetics (formerly Invitae), Labcorp
Classification: Uncertain significance. Last evaluated: 2025-03-10. Review status: criteria provided, single submitter. Criteria: Invitae Variant Classification Sherloc (09022015). Collection method: clinical testing. Allele origin: germline.
Comment: This sequence change replaces methionine, which is neutral and non-polar, with isoleucine, which is neutral and non-polar, at codon 39 of the IL21 protein (p.Met39Ile). This variant is present in population databases (no rsID available, gnomAD 0.0009%). This variant has not been reported in the literature in individuals affected with IL21-related conditions. ClinVar contains an entry for this variant (Variation ID: 1058639). An algorithm developed to predict the effect of missense changes on protein structure and function outputs the following: PolyPhen-2: "Benign". The isoleucine amino acid residue is found in multiple mammalian species, which suggests that this missense change does not adversely affect protein function. In summary, the available evidence is currently insufficient to determine the role of this variant in disease. Therefore, it has been classified as a Variant of Uncertain Significance.

NM_021803.4(IL21):c.117G>A (p.Met39Ile)

Genes: IL21 (interleukin 21; minus strand), IL21-AS1 (IL21 antisense RNA 1; plus strand), LOC126807147 (CDK7 strongly-dependent group 2 enhancer GRCh37_chr4:123541308-123542507; plus strand). Cytogenetic location: 4q27.
Variant type: single nucleotide variant.
Coding change: c.117G>A on transcript NM_021803.4 (MANE Select); coding-DNA position 117, G replaced by A.
Protein change: p.Met39Ile; replaces methionine 39 with isoleucine.
Molecular consequence: missense variant. On other transcripts: non-coding transcript variant (1).
Genome position (GRCh38, 1-based): chr4:122,620,895, C>T on the plus strand (G>A on the coding strand, the complement: IL21 is on the minus strand). VCF-style: chr4-122620895-C-T. GRCh37 (hg19) VCF-style: chr4-123542050-C-T.
Other names: c.117G>A, p.Met39Ile (NM_001207006.3); short protein forms M39I.
Identifiers: ClinVar variation 1058639 (VCV001058639.5), dbSNP rs1375760550, ClinGen allele CA358221702.
Genomic context (GRCh38, chr4:122,620,895, plus strand): 5'-TAGTCTTACCAAGTCATTCACATAATTTTTCAGCTGATCAACAATATCTATAAGTTGACG[C>T]ATTCTAATCATGTGGCGATCTTGACCTTGGGAGCTTGATTTGTGGACCAGTGTCCCCAAG-3'
Protein context (NP_068575.1, residues 29-49): SQGQDRHMIR[Met39Ile]RQLIDIVDQL